The following is an entry in ClinVar:

ClinVar aggregate classification (germline): Uncertain significance (1 of 4 stars; one submission).

Conditions:
Cardiovascular phenotype. Identifiers: MedGen CN230736.

Submission:

Ambry Genetics
Classification: Uncertain significance for Cardiovascular phenotype. Last evaluated: 2024-10-08. Review status: criteria provided, single submitter. Criteria: Ambry Variant Classification Scheme 2023. Collection method: clinical testing. Allele origin: germline.
Comment: The p.G82E variant (also known as c.245G>A), located in coding exon 1 of the RASA1 gene, results from a G to A substitution at nucleotide position 245. The glycine at codon 82 is replaced by glutamic acid, an amino acid with similar properties. This amino acid position is conserved. In addition, this alteration is predicted to be tolerated by in silico analysis. Based on the available evidence, the clinical significance of this variant remains unclear.

NM_002890.3(RASA1):c.245G>A (p.Gly82Glu)

Gene: RASA1 (RAS p21 protein activator 1; plus strand). Cytogenetic location: 5q14.3.
Variant type: single nucleotide variant.
Coding change: c.245G>A on transcript NM_002890.3 (MANE Select); coding-DNA position 245, G replaced by A.
Protein change: p.Gly82Glu; replaces glycine 82 with glutamic acid.
Molecular consequence: missense variant.
Genome position (GRCh38, 1-based): chr5:87,268,696, G>A. VCF-style: chr5-87268696-G-A. GRCh37 (hg19) VCF-style: chr5-86564513-G-A.
Other names: short protein forms G82E.
Identifiers: ClinVar variation 3430449 (VCV003430449.1).